The following is an entry in ClinVar:

NM_022552.5(DNMT3A):c.835G>A (p.Asp279Asn)

Gene: DNMT3A (DNA methyltransferase 3 alpha; minus strand). Cytogenetic location: 2p23.3.
Variant type: single nucleotide variant.
Coding change: c.835G>A on transcript NM_022552.5 (MANE Select); coding-DNA position 835, G replaced by A.
Protein change: p.Asp279Asn; replaces aspartic acid 279 with asparagine.
Molecular consequence: missense variant. On other transcripts: non-coding transcript variant (1).
Genome position (GRCh38, 1-based): chr2:25,248,057, C>T on the plus strand (G>A on the coding strand, the complement: DNMT3A is on the minus strand). VCF-style: chr2-25248057-C-T. GRCh37 (hg19) VCF-style: chr2-25470926-C-T.
Other names: c.835G>A (NM_175629.1); c.379G>A, p.Asp127Asn (NM_001320893.1); c.166G>A, p.Asp56Asn (NM_001375819.1); c.268G>A, p.Asp90Asn (NM_153759.3); c.835G>A, p.Asp279Asn (NM_175629.2); short protein forms D127N, D279N, D56N, D90N.
Identifiers: ClinVar variation 1190119 (VCV001190119.9), dbSNP rs1203141216, ClinGen allele CA346075768.

ClinVar aggregate classification (germline): Conflicting classifications of pathogenicity. Review status: criteria provided, conflicting classifications (1 of 4 stars). 4 submissions from 4 submitters: Uncertain significance (3); Likely benign (1). Last evaluated 2026-04-03.

Conditions:
DNMT3A-related disorder. Also called: DNMT3A-related condition; DNMT3A-related disorders.
Tatton-Brown-Rahman overgrowth syndrome. Also called: Tatton-Brown-Rahman syndrome; Tall stature-intellectual disability-facial dysmorphism syndrome. Identifiers: Orphanet 404443, MedGen C4014545, MONDO:0014382, OMIM 615879.
Inborn genetic diseases. Identifiers: MedGen C0950123, MeSH D030342.

Allele frequency attached by ClinVar (database versions not stated): TOPMed 0.00005; gnomAD exomes below 0.00001; gnomAD 0.00002 and 0.00004.
gnomAD v4.1: 7 of 1,612,172 alleles (0.00043%); highest among the groups gnomAD compares: Admixed American, 0.0067%; no homozygotes.

Submissions (4):

PreventionGenetics, part of Exact Sciences
Classification: Uncertain significance for DNMT3A-related condition. Last evaluated: 2026-04-03. Review status: criteria provided, single submitter. Criteria: ACMG Guidelines, 2015. Collection method: clinical testing. Allele origin: germline.
Comment: The DNMT3A c.835G>A variant is predicted to result in the amino acid substitution p.Asp279Asn. To our knowledge, this variant has not been reported in the literature. This variant is reported in 0.0029% of alleles in individuals of Latino descent in gnomAD. At this time, the clinical significance of this variant is uncertain due to the absence of conclusive functional and genetic evidence.

Labcorp Genetics (formerly Invitae), Labcorp
Classification: Uncertain significance for Tatton-Brown-Rahman overgrowth syndrome. Last evaluated: 2025-01-18. Review status: criteria provided, single submitter. Criteria: Invitae Variant Classification Sherloc (09022015). Collection method: clinical testing. Allele origin: germline.
Comment: This sequence change replaces aspartic acid, which is acidic and polar, with asparagine, which is neutral and polar, at codon 279 of the DNMT3A protein (p.Asp279Asn). This variant is present in population databases (no rsID available, gnomAD 0.003%). This variant has not been reported in the literature in individuals affected with DNMT3A-related conditions. ClinVar contains an entry for this variant (Variation ID: 1190119). Invitae Evidence Modeling of protein sequence and biophysical properties (such as structural, functional, and spatial information, amino acid conservation, physicochemical variation, residue mobility, and thermodynamic stability) indicates that this missense variant is not expected to disrupt DNMT3A protein function with a negative predictive value of 95%. In summary, the available evidence is currently insufficient to determine the role of this variant in disease. Therefore, it has been classified as a Variant of Uncertain Significance.

Ambry Genetics
Classification: Uncertain significance for Inborn genetic diseases. Last evaluated: 2022-08-05. Review status: criteria provided, single submitter. Criteria: Ambry Variant Classification Scheme 2023. Collection method: clinical testing. Allele origin: germline.

GeneDx
Classification: Likely benign. Last evaluated: 2020-09-02. Review status: criteria provided, single submitter. Criteria: GeneDx Variant Classification Process June 2021. Collection method: clinical testing. Allele origin: germline. Affected: yes.
Comment: In silico analysis supports that this missense variant does not alter protein structure/function; Has not been previously published as pathogenic or benign to our knowledge